The following is an entry in ClinVar:

ClinVar aggregate classification (germline): Likely benign. Review status: criteria provided, multiple submitters, no conflicts (2 of 4 stars). 4 submissions from 4 submitters: Likely benign (4). Last evaluated 2025-07-06.

Conditions:
Shprintzen-Goldberg syndrome (SGS). Also called: SHPRINTZEN-GOLDBERG CRANIOSYNOSTOSIS SYNDROME; CRANIOSYNOSTOSIS WITH ARACHNODACTYLY AND ABDOMINAL HERNIAS; Marfanoid disorder with craniosynostosis type 1; Marfanoid craniosynostosis syndrome; Shprintzen-Goldberg marfanoid syndrome. Identifiers: Orphanet 2462, MedGen C1321551, MONDO:0008426, OMIM 182212.
Familial thoracic aortic aneurysm and aortic dissection (TAAD). Also called: Thoracic aortic aneurysms and dissections. Identifiers: Orphanet 91387, MedGen C4707243, MONDO:0019625.

Allele frequency attached by ClinVar (database versions not stated): ExAC 0.00001; gnomAD exomes 0.00001 and 0.00002; gnomAD 0.00002 and 0.00003; TOPMed 0.00004.
gnomAD v4.1: 10 of 1,612,406 alleles (0.00062%); highest among the groups gnomAD compares: Admixed American, 0.0083%; no homozygotes.

Submissions (4):

Labcorp Genetics (formerly Invitae), Labcorp
Classification: Likely benign for Shprintzen-Goldberg syndrome. Last evaluated: 2025-07-06. Review status: criteria provided, single submitter. Criteria: Invitae Variant Classification Sherloc (09022015). Collection method: clinical testing. Allele origin: germline.

Blueprint Genetics
Classification: Likely benign. Last evaluated: 2024-09-30. Review status: criteria provided, single submitter. Criteria: ACMG Guidelines, 2015. Collection method: clinical testing. Allele origin: germline.

GeneDx
Classification: Likely benign. Last evaluated: 2017-08-01. Review status: criteria provided, single submitter. Criteria: GeneDx Variant Classification (06012015). Collection method: clinical testing. Allele origin: germline. Affected: yes.
Comment: This variant is considered likely benign or benign based on one or more of the following criteria: it is a conservative change, it occurs at a poorly conserved position in the protein, it is predicted to be benign by multiple in silico algorithms, and/or has population frequency not consistent with disease.

Ambry Genetics
Classification: Likely benign for Familial thoracic aortic aneurysm and aortic dissection. Last evaluated: 2015-11-06. Review status: criteria provided, single submitter. Criteria: Ambry Variant Classification Scheme 2023. Collection method: clinical testing. Allele origin: germline.

NM_003036.4(SKI):c.844C>A (p.Arg282=)

Gene: SKI (SKI proto-oncogene; plus strand). Cytogenetic location: 1p36.33.
Variant type: single nucleotide variant.
Coding change: c.844C>A on transcript NM_003036.4 (MANE Select); coding-DNA position 844, C replaced by A.
Protein change: p.Arg282=; no amino-acid change (arginine 282 retained).
Molecular consequence: synonymous variant.
Genome position (GRCh38, 1-based): chr1:2,229,610, C>A. VCF-style: chr1-2229610-C-A. GRCh37 (hg19) VCF-style: chr1-2161049-C-A.
Identifiers: ClinVar variation 264492 (VCV000264492.17), dbSNP rs753783431, ClinGen allele CA536470.